The following is an entry in ClinVar:

NM_001388459.1(FRMPD3):c.4416C>T (p.Pro1472=)

Gene: FRMPD3 (FERM and PDZ domain containing 3; plus strand). Cytogenetic location: Xq22.3.
Variant type: single nucleotide variant.
Coding change: c.4416C>T on transcript NM_001388459.1 (MANE Select); coding-DNA position 4416, C replaced by T.
Protein change: p.Pro1472=; no amino-acid change (proline 1472 retained).
Molecular consequence: synonymous variant.
Genome position (GRCh38, 1-based): chrX:107,602,455, C>T. VCF-style: chrX-107602455-C-T. GRCh37 (hg19) VCF-style: chrX-106845685-C-T.
Other names: c.4011C>T, p.Pro1337= (NM_001388462.1); c.4515C>T, p.Pro1505= (NM_032428.2).
Identifiers: ClinVar variation 2661150 (VCV002661150.24), dbSNP rs773055381, ClinGen allele CA10485444.
Genomic context (GRCh38, chrX:107,602,455, plus strand): 5'-CTACGTCCAGGTTGCCCCAGAGACCAAAGGCCCCAGACAGATGGCCGTGTTCTCACTGCC[C>T]GAGGAGGTGTACCGGAAGCCTGCCGAGCTAGACGAGGACAGTGAGAGCAGCAAGTGCTGC-3'
Protein context (NP_001375388.1, residues 1462-1482): GPRQMAVFSL[Pro1472=]EEVYRKPAEL

ClinVar aggregate classification (germline): Likely benign (1 of 4 stars; one submission).

Allele frequency attached by ClinVar (database versions not stated): 1000 Genomes Project 30x 0.00042; 1000 Genomes Project 0.00053.
gnomAD v4.1: 16 of 1,209,802 alleles (0.0013%); highest among the groups gnomAD compares: African/African-American, 0.0035%; no homozygotes.

Submission:

CeGaT Center for Human Genetics Tuebingen
Classification: Likely benign. Last evaluated: 2022-06-01. Review status: criteria provided, single submitter. Criteria: CeGaT Center For Human Genetics Tuebingen Variant Classification Criteria Version 2. Collection method: clinical testing. Allele origin: germline. Affected: yes. Observed: 1 variant allele.
Comment: FRMPD3: BP4, BP7